The following is an entry in ClinVar:

ClinVar aggregate classification (germline): Uncertain significance (1 of 4 stars; one submission).

Conditions:
AFF4-related disorder. Also called: AFF4-related condition.

gnomAD v4.1: 1 of 1,614,162 alleles (0.000062%); highest among the groups gnomAD compares: Admixed American, 0.0017%; no homozygotes.

Submission:

PreventionGenetics, part of Exact Sciences
Classification: Uncertain significance for AFF4-related condition. Last evaluated: 2026-06-16. Review status: criteria provided, single submitter. Criteria: ACMG Guidelines, 2015. Collection method: clinical testing. Allele origin: germline.
Comment: The AFF4 c.260A>T variant is predicted to result in the amino acid substitution p.Asp87Val. To our knowledge, this variant has not been reported in the literature. This variant is reported in 0.0029% of alleles in individuals of Latino descent in gnomAD. At this time, the clinical significance of this variant is uncertain due to the absence of conclusive functional and genetic evidence.

NM_014423.4(AFF4):c.260A>T (p.Asp87Val)

Gene: AFF4 (ALF transcription elongation factor 4; minus strand). Cytogenetic location: 5q31.1.
Variant type: single nucleotide variant.
Coding change: c.260A>T on transcript NM_014423.4 (MANE Select); coding-DNA position 260, A replaced by T.
Protein change: p.Asp87Val; replaces aspartic acid 87 with valine.
Molecular consequence: missense variant.
Genome position (GRCh38, 1-based): chr5:132,934,805, T>A on the plus strand (A>T on the coding strand, the complement: AFF4 is on the minus strand). VCF-style: chr5-132934805-T-A. GRCh37 (hg19) VCF-style: chr5-132270497-T-A.
Other names: short protein forms D87V.
Identifiers: ClinVar variation 4983739 (VCV004983739.1).
Genomic context (GRCh38, chr5:132,934,805, plus strand): 5'-TTGCTACTCTGATGAGAGCCTCCATGTCTCTGTTCAAAGAAATTTGGGTTAGATTTTTCA[T>A]CTGCTGATGGTGGTACTGTAGGCTTGGGAATTGCAACAAGCTTTGGTATAGATCTGTCTC-3'
Protein context (NP_055238.1, residues 77-97): IPKPTVPPSA[Asp87Val]EKSNPNFFEQ